The following is an entry in ClinVar:

ClinVar aggregate classification (germline): Pathogenic. Review status: criteria provided, multiple submitters, no conflicts (2 of 4 stars). 2 submissions from 2 submitters: Pathogenic (2). Last evaluated 2026-07-12.

Conditions:
Wiskott-Aldrich syndrome (WAS). Also called: ALDRICH SYNDROME; IMMUNODEFICIENCY 2; Wiskott-aldrich syndrome, somatic; WISKOTT-ALDRICH SYNDROME 1. Identifiers: Orphanet 906, MedGen C0043194, MONDO:0010518, OMIM 301000.

Submissions (2):

Department of Pediatrics, Duzce University
Classification: Pathogenic for Wiskott-Aldrich syndrome. Last evaluated: 2026-07-12. Review status: criteria provided, single submitter. Criteria: ACMG Guidelines, 2015. Collection method: research. Allele origin: germline. Inheritance: X-linked recessive inheritance. Affected: yes. Observed: 1 variant allele, 1 hemizygote.
Comment: Hemizygous nonsense/null (PVS1); predicted WASp loss -> severe WAS. Specific variant not independently located in ClinVar; classified on null mechanism.

CeGaT Center for Human Genetics Tuebingen
Classification: Pathogenic. Last evaluated: 2021-03-01. Review status: criteria provided, single submitter. Criteria: CeGaT Center For Human Genetics Tuebingen Variant Classification Criteria Version 2. Collection method: clinical testing. Allele origin: germline. Affected: yes. Observed: 2 variant alleles.

NM_000377.3(WAS):c.295C>T (p.Gln99Ter)

Gene: WAS (WASP actin nucleation promoting factor; plus strand). Cytogenetic location: Xp11.23.
Variant type: single nucleotide variant.
Coding change: c.295C>T on transcript NM_000377.3 (MANE Select); coding-DNA position 295, C replaced by T.
Protein change: p.Gln99Ter; replaces glutamine 99 with a stop codon.
Molecular consequence: nonsense.
Genome position (GRCh38, 1-based): chrX:48,685,568, C>T. VCF-style: chrX-48685568-C-T. GRCh37 (hg19) VCF-style: chrX-48543957-C-T.
Other names: p.Gln99Ter; short protein forms Q99*.
Identifiers: ClinVar variation 1176930 (VCV001176930.34), dbSNP rs2147263661, ClinGen allele CA412866926.
Genomic context (GRCh38, chrX:48,685,568, plus strand): 5'-CCTCAGTGCCACTGTGCCTCCCACCCTACACCTCTCCAGGCTGGTCGGCTGCTCTGGGAA[C>T]AGGAGCTGTACTCACAGCTTGTCTACTCCACCCCCACCCCCTTCTTCCACACCTTCGCTG-3'